The following is an entry in ClinVar:

NM_002485.5(NBN):c.2184+2T>A

Gene: NBN (nibrin; minus strand). Cytogenetic location: 8q21.3.
Variant type: single nucleotide variant.
Coding change: c.2184+2T>A on transcript NM_002485.5 (MANE Select); the canonical splice donor site of the intron after coding-DNA position 2184, T replaced by A.
Molecular consequence: splice donor variant.
Genome position (GRCh38, 1-based): chr8:89,943,251, A>T on the plus strand (T>A on the coding strand, the complement: NBN is on the minus strand). VCF-style: chr8-89943251-A-T. GRCh37 (hg19) VCF-style: chr8-90955479-A-T.
Other names: c.1938+2T>A (NM_001024688.3).
Identifiers: ClinVar variation 1068044 (VCV001068044.7), dbSNP rs75823099, ClinGen allele CA371675238.

ClinVar aggregate classification (germline): Likely pathogenic (1 of 4 stars; one submission).

Conditions:
Microcephaly, normal intelligence and immunodeficiency (NBS). Also called: Microcephaly with normal intelligence immunodeficiency and lymphoreticular malignancies; Nonsyndromal microcephaly autosomal recessive with normal intelligence; Seemanova syndrome 2; SEEMANOVA SYNDROME II; BERLIN BREAKAGE SYNDROME; Immunodeficiency, microcephaly with normal intelligence. Identifiers: Orphanet 647, MedGen C0398791, MONDO:0009623, OMIM 251260.

Submission:

Labcorp Genetics (formerly Invitae), Labcorp
Classification: Likely pathogenic for Microcephaly, normal intelligence and immunodeficiency. Last evaluated: 2021-10-06. Review status: criteria provided, single submitter. Criteria: Invitae Variant Classification Sherloc (09022015). Collection method: clinical testing. Allele origin: germline.
Comment: In summary, the currently available evidence indicates that the variant is pathogenic, but additional data are needed to prove that conclusively. Therefore, this variant has been classified as Likely Pathogenic. Algorithms developed to predict the effect of sequence changes on RNA splicing suggest that this variant may disrupt the consensus splice site. ClinVar contains an entry for this variant (Variation ID: 1068044). This variant has not been reported in the literature in individuals affected with NBN-related conditions. This variant is not present in population databases (ExAC no frequency). This sequence change affects a donor splice site in intron 14 of the NBN gene. It is expected to disrupt RNA splicing. Variants that disrupt the donor or acceptor splice site typically lead to a loss of protein function (PMID: 16199547), and loss-of-function variants in NBN are known to be pathogenic (PMID: 9590180, 16415040).

Literature cited by the submitters: PubMed 16199547; PubMed 9590180; PubMed 16415040.